The following is an entry in ClinVar:

ClinVar aggregate classification (germline): Uncertain significance (1 of 4 stars; one submission).

gnomAD v4.1: 4 of 1,614,164 alleles (0.00025%); highest among the groups gnomAD compares: South Asian, 0.0044%; no homozygotes.

Submission:

Labcorp Genetics (formerly Invitae), Labcorp
Classification: Uncertain significance. Last evaluated: 2025-11-16. Review status: criteria provided, single submitter. Criteria: Invitae Variant Classification Sherloc (09022015). Collection method: clinical testing. Allele origin: germline.
Comment: This sequence change replaces glutamic acid, which is acidic and polar, with glutamine, which is neutral and polar, at codon 84 of the LRP5 protein (p.Glu84Gln). This variant is present in population databases (rs201119420, gnomAD 0.006%). This variant has not been reported in the literature in individuals affected with LRP5-related conditions. Invitae Evidence Modeling of protein sequence and biophysical properties (such as structural, functional, and spatial information, amino acid conservation, physicochemical variation, residue mobility, and thermodynamic stability) has been performed for this missense variant. However, the output from this modeling did not meet the statistical confidence thresholds required to predict the impact of this variant on LRP5 protein function. In summary, the available evidence is currently insufficient to determine the role of this variant in disease. Therefore, it has been classified as a Variant of Uncertain Significance.

NM_002335.4(LRP5):c.250G>C (p.Glu84Gln)

Gene: LRP5 (LDL receptor related protein 5; plus strand). Cytogenetic location: 11q13.2.
Variant type: single nucleotide variant.
Coding change: c.250G>C on transcript NM_002335.4 (MANE Select); coding-DNA position 250, G replaced by C.
Protein change: p.Glu84Gln; replaces glutamic acid 84 with glutamine.
Molecular consequence: missense variant. On other transcripts: 5 prime UTR variant (1).
Genome position (GRCh38, 1-based): chr11:68,348,005, G>C. VCF-style: chr11-68348005-G-C. GRCh37 (hg19) VCF-style: chr11-68115473-G-C.
Other names: c.-1516G>C (NM_001291902.2); short protein forms E84Q.
Identifiers: ClinVar variation 4709269 (VCV004709269.1).